The following is an entry in ClinVar:

NM_007186.6(CEP250):c.6905A>G (p.Gln2302Arg)

Gene: CEP250 (centrosomal protein 250; plus strand). Cytogenetic location: 20q11.22.
Variant type: single nucleotide variant.
Coding change: c.6905A>G on transcript NM_007186.6 (MANE Select); coding-DNA position 6905, A replaced by G.
Protein change: p.Gln2302Arg; replaces glutamine 2302 with arginine.
Molecular consequence: missense variant.
Genome position (GRCh38, 1-based): chr20:35,508,189, A>G. VCF-style: chr20-35508189-A-G. GRCh37 (hg19) VCF-style: chr20-34096018-A-G.
Other names: c.5009A>G, p.Gln1670Arg (NM_001318219.1); short protein forms Q2302R, Q1670R.
Identifiers: ClinVar variation 1345808 (VCV001345808.8), dbSNP rs750911269, ClinGen allele CA9834178.

ClinVar aggregate classification (germline): Uncertain significance (1 of 4 stars; one submission).

Allele frequency attached by ClinVar (database versions not stated): gnomAD exomes below 0.00001; TOPMed below 0.00001; ExAC 0.00001; gnomAD 0.00001.
gnomAD v4.1: 2 of 1,613,716 alleles (0.00012%); highest among the groups gnomAD compares: Non-Finnish European, 0.00017%; no homozygotes.

Submission:

Labcorp Genetics (formerly Invitae), Labcorp
Classification: Uncertain significance. Last evaluated: 2022-04-12. Review status: criteria provided, single submitter. Criteria: Invitae Variant Classification Sherloc (09022015). Collection method: clinical testing. Allele origin: germline.
Comment: In summary, the available evidence is currently insufficient to determine the role of this variant in disease. Therefore, it has been classified as a Variant of Uncertain Significance. Algorithms developed to predict the effect of sequence changes on RNA splicing suggest that this variant may disrupt the consensus splice site. Algorithms developed to predict the effect of missense changes on protein structure and function are either unavailable or do not agree on the potential impact of this missense change (SIFT: "Not Available"; PolyPhen-2: "Possibly Damaging"; Align-GVGD: "Not Available"). This variant has not been reported in the literature in individuals affected with CEP250-related conditions. This variant is present in population databases (rs750911269, gnomAD 0.0009%). This sequence change replaces glutamine, which is neutral and polar, with arginine, which is basic and polar, at codon 2302 of the CEP250 protein (p.Gln2302Arg).